The following is an entry in ClinVar:

ClinVar aggregate classification (germline): Uncertain significance (1 of 4 stars; one submission).

Submission:

Labcorp Genetics (formerly Invitae), Labcorp
Classification: Uncertain significance. Last evaluated: 2022-08-22. Review status: criteria provided, single submitter. Criteria: Invitae Variant Classification Sherloc (09022015). Collection method: clinical testing. Allele origin: germline.
Comment: In summary, the available evidence is currently insufficient to determine the role of this variant in disease. Therefore, it has been classified as a Variant of Uncertain Significance. Algorithms developed to predict the effect of missense changes on protein structure and function are either unavailable or do not agree on the potential impact of this missense change (SIFT: "Deleterious"; PolyPhen-2: "Benign"; Align-GVGD: "Class C0"). ClinVar contains an entry for this variant (Variation ID: 1492313). This variant has not been reported in the literature in individuals affected with HPS3-related conditions. This sequence change replaces isoleucine, which is neutral and non-polar, with methionine, which is neutral and non-polar, at codon 947 of the HPS3 protein (p.Ile947Met). This variant is not present in population databases (gnomAD no frequency).

NM_032383.5(HPS3):c.2841A>G (p.Ile947Met)

Genes: CP (ceruloplasmin; minus strand), HPS3 (HPS3 biogenesis of lysosomal organelles complex 2 subunit 1; plus strand). Cytogenetic location: 3q24.
Variant type: single nucleotide variant.
Coding change: c.2841A>G on transcript NM_032383.5 (MANE Select); coding-DNA position 2841, A replaced by G.
Protein change: p.Ile947Met; replaces isoleucine 947 with methionine.
Molecular consequence: missense variant.
Genome position (GRCh38, 1-based): chr3:149,167,937, A>G. VCF-style: chr3-149167937-A-G. GRCh37 (hg19) VCF-style: chr3-148885724-A-G.
Other names: c.2346A>G, p.Ile782Met (NM_001308258.2); short protein forms I782M, I947M.
Identifiers: ClinVar variation 1492313 (VCV001492313.6), dbSNP rs2108187154, ClinGen allele CA354926407.